The following is an entry in ClinVar:

ClinVar aggregate classification (germline): Pathogenic (1 of 4 stars; one submission).

Conditions:
Fanconi anemia (FA). Also called: Fanconi's anemia. Identifiers: Orphanet 84, MedGen C0015625, MeSH D005199, MONDO:0019391.

Submission:

Labcorp Genetics (formerly Invitae), Labcorp
Classification: Pathogenic for Fanconi anemia. Last evaluated: 2022-01-27. Review status: criteria provided, single submitter. Criteria: Invitae Variant Classification Sherloc (09022015). Collection method: clinical testing. Allele origin: germline.
Comment: For these reasons, this variant has been classified as Pathogenic. This variant has not been reported in the literature in individuals affected with FANCL-related conditions. A gross deletion of the genomic region encompassing the full coding sequence of the FANCL gene has been identified. Loss-of-function variants in FANCL are known to be pathogenic (PMID: 19405097, 23613520). The boundaries of this event are unknown as they extend beyond the assayed region for this gene and therefore may encompass additional genes.

Literature cited by the submitters: PubMed 19405097; PubMed 23613520.

NC_000002.12:g.(?_58159755)_(58241323_?)del

Genes: FANCL (FA complementation group L; minus strand), VRK2 (VRK serine/threonine kinase 2; plus strand), LOC129388866 (MPRA-validated peak3710 silencer; plus strand), LOC129933782 (ATAC-STARR-seq lymphoblastoid silent region 11507; plus strand). Cytogenetic location: 2p16.1.
Variant type: Deletion.
Identifiers: ClinVar variation 639373 (VCV000639373.3).